The following is an entry in ClinVar:

NC_000023.11:g.(?_32518008)_(32699293_?)del

Gene: DMD (dystrophin; minus strand). Cytogenetic location: Xp21.1.
Variant type: Deletion.
Identifiers: ClinVar variation 832561 (VCV000832561.2).

ClinVar aggregate classification (germline): Pathogenic (1 of 4 stars; one submission).

Conditions:
Duchenne muscular dystrophy (DMD). Also called: Duchenne Muscular Dystrophy (DMD); MUSCULAR DYSTROPHY, PSEUDOHYPERTROPHIC PROGRESSIVE, DUCHENNE TYPE. Identifiers: Orphanet 98896, MedGen C0013264, MONDO:0010679, OMIM 310200.

Submission:

Labcorp Genetics (formerly Invitae), Labcorp
Classification: Pathogenic for Duchenne muscular dystrophy. Last evaluated: 2019-12-04. Review status: criteria provided, single submitter. Criteria: Invitae Variant Classification Sherloc (09022015). Collection method: clinical testing. Allele origin: germline.
Comment: This variant is an out-of-frame deletion of the genomic region encompassing exons 8-18 of the DMD gene. This is expected to create a premature translational stop signal and result in an absent or disrupted protein product. This variant has been observed in individual(s) with Duchenne muscular dystrophy (PMID: 20098710). Loss-of-function variants in DMD are known to be pathogenic (PMID: 16770791, 25007885). For these reasons, this variant has been classified as Pathogenic.

Literature cited by the submitters: PubMed 20098710; PubMed 16770791; PubMed 25007885.